The following is an entry in ClinVar:

NM_001999.4(FBN2):c.5801A>G (p.Asp1934Gly)

Gene: FBN2 (fibrillin 2; minus strand). Cytogenetic location: 5q23.3.
Variant type: single nucleotide variant.
Coding change: c.5801A>G on transcript NM_001999.4 (MANE Select); coding-DNA position 5801, A replaced by G.
Protein change: p.Asp1934Gly; replaces aspartic acid 1934 with glycine.
Molecular consequence: missense variant.
Genome position (GRCh38, 1-based): chr5:128,303,089, T>C on the plus strand (A>G on the coding strand, the complement: FBN2 is on the minus strand). VCF-style: chr5-128303089-T-C. GRCh37 (hg19) VCF-style: chr5-127638781-T-C.
Other names: short protein forms D1934G.
Identifiers: ClinVar variation 528411 (VCV000528411.9), dbSNP rs1554119542, ClinGen allele CA360739274.
Genomic context (GRCh38, chr5:128,303,089, plus strand): 5'-GATCCAACGGTGTTTTTACAAGTTCCATTTCCACATGGATGCCGCTCGCACTCATCAACA[T>C]CTATAAAGAAATATAGGCTCAAAAAATTCAATTTTTAACTAGAAAAAAATGGGCTATTAA-3'
Protein context (NP_001990.2, residues 1924-1944): KASQDQTMCM[Asp1934Gly]VDECERHPCG

ClinVar aggregate classification (germline): Uncertain significance (1 of 4 stars; one submission).

Conditions:
Congenital contractural arachnodactyly (CCA). Also called: Beals-Hecht syndrome; BEALS SYNDROME; Arthrogryposis, distal, type 9. Identifiers: Orphanet 115, MedGen C0220668, MONDO:0007363, OMIM 121050.

Allele frequency attached by ClinVar (database versions not stated): TOPMed below 0.00001; gnomAD 0.00001.
gnomAD v4.1: 1 of 1,583,940 alleles (0.000063%); highest among the groups gnomAD compares: Non-Finnish European, 0.000087%; no homozygotes.

Submission:

Labcorp Genetics (formerly Invitae), Labcorp
Classification: Uncertain significance for Congenital contractural arachnodactyly. Last evaluated: 2017-11-16. Review status: criteria provided, single submitter. Criteria: Invitae Variant Classification Sherloc (09022015). Collection method: clinical testing. Allele origin: germline.
Comment: This sequence change replaces aspartic acid with glycine at codon 1934 of the FBN2 protein (p.Asp1934Gly). The aspartic acid residue is highly conserved and there is a moderate physicochemical difference between aspartic acid and glycine. This variant is not present in population databases (ExAC no frequency). This variant has not been reported in the literature in individuals with FBN2-related disease. Algorithms developed to predict the effect of missense changes on protein structure and function (SIFT, PolyPhen-2, Align-GVGD) all suggest that this variant is likely to be disruptive, but these predictions have not been confirmed by published functional studies and their clinical significance is uncertain. In summary, the available evidence is currently insufficient to determine the role of this variant in disease. Therefore, it has been classified as a Variant of Uncertain Significance.